The following is an entry in ClinVar:

NM_000268.4(NF2):c.1362G>A (p.Leu454=)

Gene: NF2 (NF2, moesin-ezrin-radixin like (MERLIN) tumor suppressor; plus strand). Cytogenetic location: 22q12.2.
Variant type: single nucleotide variant.
Coding change: c.1362G>A on transcript NM_000268.4 (MANE Select); coding-DNA position 1362, G replaced by A.
Protein change: p.Leu454=; no amino-acid change (leucine 454 retained).
Molecular consequence: synonymous variant. On other transcripts: non-coding transcript variant (1), intron variant (1).
Genome position (GRCh38, 1-based): chr22:29,674,857, G>A. VCF-style: chr22-29674857-G-A. GRCh37 (hg19) VCF-style: chr22-30070846-G-A.
Other names: c.1248G>A, p.Leu416= (NM_001407053.1, NM_001407056.1); c.1239G>A, p.Leu413= (NM_001407054.1, NM_001407058.1, NM_181829.3); c.1236G>A, p.Leu412= (NM_001407055.1, NM_181828.3); c.1227G>A, p.Leu409= (NM_001407057.1, NM_001407059.1); c.1362G>A, p.Leu454= (NM_001407060.1, NM_001407066.1, NM_016418.5 and 2 more transcripts); c.1104G>A, p.Leu368= (NM_001407062.1); c.1113G>A, p.Leu371= (NM_001407063.1, NM_001407064.1, NM_181830.3 and 1 more transcripts); c.828G>A, p.Leu276= (NM_001407065.1); and 2 more.
Identifiers: ClinVar variation 1770868 (VCV001770868.3), dbSNP rs2147092325, ClinGen allele CA514187705.

ClinVar aggregate classification (germline): Likely benign. Review status: criteria provided, multiple submitters, no conflicts (2 of 4 stars). 2 submissions from 2 submitters: Likely benign (2). Last evaluated 2024-05-30.

Conditions:
Hereditary cancer-predisposing syndrome. Also called: Hereditary Cancer Syndrome; Hereditary neoplastic syndrome; Neoplastic Syndromes, Hereditary; Tumor predisposition. Identifiers: Orphanet 140162, MedGen C0027672, MeSH D009386, MONDO:0015356.
Neurofibromatosis, type 2 (SWNV). Also called: SCHWANNOMATOSIS, VESTIBULAR; NF2-Related Schwannomatosis; BILATERAL ACOUSTIC NEUROFIBROMATOSIS. Identifiers: Orphanet 637, MedGen C0027832, MONDO:0007039, OMIM 101000. Disease mechanism: loss of function.

Submissions (2):

All of Us Research Program, National Institutes of Health
Classification: Likely benign for Neurofibromatosis, type 2. Last evaluated: 2024-05-30. Review status: criteria provided, single submitter. Criteria: ACMG Guidelines, 2015. Collection method: clinical testing. Allele origin: germline. Inheritance: Autosomal dominant inheritance. Observed: 1 variant allele, 1 heterozygote.
Comment: This study involves interpretation of variants in research participants for the purpose of population health screening. Participant phenotype was not available at the time of variant classification. Additional details can be found in publication PMID: 35346344, PMCID: PMC8962531

Ambry Genetics
Classification: Likely benign for Hereditary cancer-predisposing syndrome. Last evaluated: 2021-03-12. Review status: criteria provided, single submitter. Criteria: Ambry Variant Classification Scheme 2023. Collection method: clinical testing. Allele origin: germline.